The following is an entry in ClinVar:

ClinVar aggregate classification (germline): Likely benign (1 of 4 stars; one submission).

gnomAD v4.1: 15 of 1,211,869 alleles (0.0012%); highest among the groups gnomAD compares: East Asian, 0.027%; no homozygotes.

Submission:

Women's Health and Genetics/Laboratory Corporation of America, LabCorp
Classification: Likely benign. Last evaluated: 2025-07-24. Review status: criteria provided, single submitter. Criteria: LabCorp Variant Classification Summary - May 2015. Collection method: clinical testing. Allele origin: germline.
Comment: Variant summary: KLHL15 c.976A>C (p.Asn326His) results in a conservative amino acid change in the encoded protein sequence. Algorithms developed to predict the effect of missense changes on protein structure and function are either unavailable or do not agree on the potential impact of this missense change. The variant allele was found at a frequency of 1.2e-05 in 1,211,869 control chromosomes (i.e. 15 alleles) in the gnomAD database, including 5 hemizygotes. It was predominantly reported within the East Asian subpopulation at a frequency of 0.00027. However, the variant was reported in some East Asian subpopulations with an even higher allele frequency, e.g. in the Japanese, with an allele frequency of 0.00072 (i.e. 73 / 102,026 alleles). The occurrence in several hemizygotes suggests that this variant is likely not associated with a high penetrance, severe, early onset disease phenotype in hemizygous state. To our knowledge, no occurrence of c.976A>C in individuals affected with Intellectual Disability, X-Linked 103 and no experimental evidence demonstrating its impact on protein function have been reported. No submitters have cited clinical-significance assessments for this variant to ClinVar. Based on the evidence outlined above, the variant was classified as likely benign.

NM_030624.3(KLHL15):c.976A>C (p.Asn326His)

Gene: KLHL15 (kelch like family member 15; minus strand). Cytogenetic location: Xp22.11.
Variant type: single nucleotide variant.
Coding change: c.976A>C on transcript NM_030624.3 (MANE Select); coding-DNA position 976, A replaced by C.
Protein change: p.Asn326His; replaces asparagine 326 with histidine.
Molecular consequence: missense variant.
Genome position (GRCh38, 1-based): chrX:23,988,760, T>G on the plus strand (A>C on the coding strand, the complement: KLHL15 is on the minus strand). VCF-style: chrX-23988760-T-G. GRCh37 (hg19) VCF-style: chrX-24006877-T-G.
Other names: short protein forms N326H.
Identifiers: ClinVar variation 4526219 (VCV004526219.1).
Genomic context (GRCh38, chrX:23,988,760, plus strand): 5'-AAGCATGGAATTCACCATCCGGGCCCAGCTCTTCCCCGCCTAACAGGAACACAAAATTAT[T>G]GACGATAGCAAGGCAGTCAGGTCGCAGAGGTACTTGTGGGCCTTCTAGCTCCCACCAGAC-3'
Protein context (NP_085127.2, residues 316-336): PLRPDCLAIV[Asn326His]NFVFLLGGEE